The following is an entry in ClinVar:

NM_003476.5(CSRP3):c.460C>G (p.Leu154Val)

Gene: CSRP3 (cysteine and glycine rich protein 3; minus strand). Cytogenetic location: 11p15.1.
Variant type: single nucleotide variant.
Coding change: c.460C>G on transcript NM_003476.5 (MANE Select); coding-DNA position 460, C replaced by G.
Protein change: p.Leu154Val; replaces leucine 154 with valine.
Molecular consequence: missense variant. On other transcripts: synonymous variant (1).
Genome position (GRCh38, 1-based): chr11:19,185,000, G>C on the plus strand (C>G on the coding strand, the complement: CSRP3 is on the minus strand). VCF-style: chr11-19185000-G-C. GRCh37 (hg19) VCF-style: chr11-19206547-G-C.
Other names: c.460C>G, p.Leu154Val (NM_001127656.1); c.291C>G, p.Val97= (NM_001369404.1); short protein forms L154V.
Identifiers: ClinVar variation 2933974 (VCV002933974.3), dbSNP rs2494218636, ClinGen allele CA379887709.

ClinVar aggregate classification (germline): Uncertain significance (1 of 4 stars; one submission).

Conditions:
Hypertrophic cardiomyopathy 12. Identifiers: MedGen C2677491, MONDO:0012804, OMIM 612124.
Dilated cardiomyopathy 1M (CMD1M). Identifiers: Orphanet 154, MedGen C1843808, MONDO:0011840, OMIM 607482.

Submission:

Labcorp Genetics (formerly Invitae), Labcorp
Classification: Uncertain significance for Hypertrophic cardiomyopathy 12; Dilated cardiomyopathy 1M. Last evaluated: 2023-10-23. Review status: criteria provided, single submitter. Criteria: Invitae Variant Classification Sherloc (09022015). Collection method: clinical testing. Allele origin: germline.
Comment: This sequence change replaces leucine, which is neutral and non-polar, with valine, which is neutral and non-polar, at codon 154 of the CSRP3 protein (p.Leu154Val). This variant is not present in population databases (gnomAD no frequency). This variant has not been reported in the literature in individuals affected with CSRP3-related conditions. An algorithm developed to predict the effect of missense changes on protein structure and function (PolyPhen-2) suggests that this variant is likely to be disruptive. In summary, the available evidence is currently insufficient to determine the role of this variant in disease. Therefore, it has been classified as a Variant of Uncertain Significance.